The following is an entry in ClinVar:

NM_018249.6(CDK5RAP2):c.2270C>T (p.Ser757Leu)

Gene: CDK5RAP2 (CDK5 regulatory subunit associated protein 2; minus strand). Cytogenetic location: 9q33.2.
Variant type: single nucleotide variant.
Coding change: c.2270C>T on transcript NM_018249.6 (MANE Select); coding-DNA position 2270, C replaced by T.
Protein change: p.Ser757Leu; replaces serine 757 with leucine.
Molecular consequence: missense variant. On other transcripts: non-coding transcript variant (5), intron variant (1).
Genome position (GRCh38, 1-based): chr9:120,458,555, G>A on the plus strand (C>T on the coding strand, the complement: CDK5RAP2 is on the minus strand). VCF-style: chr9-120458555-G-A. GRCh37 (hg19) VCF-style: chr9-123220833-G-A.
Other names: c.2270C>T, p.Ser757Leu (NM_001011649.3); c.2171C>T, p.Ser724Leu (NM_001410992.1); c.2174C>T, p.Ser725Leu (NM_001410993.1); c.2267C>T, p.Ser756Leu (NM_001410994.1); c.2103+9305C>T (NM_001272039.2); short protein forms S757L, S724L, S725L, S756L.
Identifiers: ClinVar variation 1934717 (VCV001934717.3), dbSNP rs768926303, ClinGen allele CA5214103.

ClinVar aggregate classification (germline): Uncertain significance (1 of 4 stars; one submission).

Allele frequency attached by ClinVar (database versions not stated): ExAC 0.00002; gnomAD 0.00003; TOPMed 0.00003.
gnomAD v4.1: 42 of 1,613,982 alleles (0.0026%); highest among the groups gnomAD compares: Non-Finnish European, 0.0033%; no homozygotes.

Submission:

Labcorp Genetics (formerly Invitae), Labcorp
Classification: Uncertain significance. Last evaluated: 2025-08-18. Review status: criteria provided, single submitter. Criteria: Invitae Variant Classification Sherloc (09022015). Collection method: clinical testing. Allele origin: germline.
Comment: This sequence change replaces serine, which is neutral and polar, with leucine, which is neutral and non-polar, at codon 757 of the CDK5RAP2 protein (p.Ser757Leu). This variant is present in population databases (rs768926303, gnomAD 0.006%). This variant has not been reported in the literature in individuals affected with CDK5RAP2-related conditions. ClinVar contains an entry for this variant (Variation ID: 1934717). An algorithm developed to predict the effect of missense changes on protein structure and function outputs the following: PolyPhen-2: "Benign". The leucine amino acid residue is found in multiple mammalian species, which suggests that this missense change does not adversely affect protein function. In summary, the available evidence is currently insufficient to determine the role of this variant in disease. Therefore, it has been classified as a Variant of Uncertain Significance.